The following is an entry in ClinVar:

ClinVar aggregate classification (germline): Uncertain significance (1 of 4 stars; one submission).

Conditions:
Leukocyte adhesion deficiency 1 (LAD1). Also called: LAD 1; Lymphocyte function-associated antigen 1 immunodeficiency; LFA 1 immunodeficiency; LEUKOCYTE ADHESION DEFICIENCY, TYPE I. Identifiers: Orphanet 2968, Orphanet 99842, MedGen C0398738, MONDO:0007293, OMIM 116920.

gnomAD v4.1: 1 of 1,603,860 alleles (0.000062%); highest among the groups gnomAD compares: Non-Finnish European, 0.000085%; no homozygotes.

Submission:

Labcorp Genetics (formerly Invitae), Labcorp
Classification: Uncertain significance for Leukocyte adhesion deficiency 1. Last evaluated: 2021-08-28. Review status: criteria provided, single submitter. Criteria: Invitae Variant Classification Sherloc (09022015). Collection method: clinical testing. Allele origin: germline.
Comment: This sequence change replaces glycine with aspartic acid at codon 570 of the ITGB2 protein (p.Gly570Asp). The glycine residue is highly conserved and there is a moderate physicochemical difference between glycine and aspartic acid. This variant is not present in population databases (ExAC no frequency). This variant has not been reported in the literature in individuals affected with ITGB2-related conditions. Algorithms developed to predict the effect of missense changes on protein structure and function (SIFT, PolyPhen-2, Align-GVGD) all suggest that this variant is likely to be disruptive. In summary, the available evidence is currently insufficient to determine the role of this variant in disease. Therefore, it has been classified as a Variant of Uncertain Significance.

NM_000211.5(ITGB2):c.1709G>A (p.Gly570Asp)

Gene: ITGB2 (integrin subunit beta 2; minus strand). Cytogenetic location: 21q22.3.
Variant type: single nucleotide variant.
Coding change: c.1709G>A on transcript NM_000211.5 (MANE Select); coding-DNA position 1709, G replaced by A.
Protein change: p.Gly570Asp; replaces glycine 570 with aspartic acid.
Molecular consequence: missense variant.
Genome position (GRCh38, 1-based): chr21:44,889,444, C>T on the plus strand (G>A on the coding strand, the complement: ITGB2 is on the minus strand). VCF-style: chr21-44889444-C-T. GRCh37 (hg19) VCF-style: chr21-46309359-C-T.
Other names: c.1709G>A, p.Gly570Asp (NM_001127491.3); c.1502G>A, p.Gly501Asp (NM_001303238.2); short protein forms G501D, G570D.
Identifiers: ClinVar variation 1024795 (VCV001024795.6), dbSNP rs2083752823, ClinGen allele CA410484125.